The following is an entry in ClinVar:

NM_004247.4(EFTUD2):c.149A>G (p.Asp50Gly)

Gene: EFTUD2 (elongation factor Tu GTP binding domain containing 2; minus strand). Cytogenetic location: 17q21.31.
Variant type: single nucleotide variant.
Coding change: c.149A>G on transcript NM_004247.4 (MANE Select); coding-DNA position 149, A replaced by G.
Protein change: p.Asp50Gly; replaces aspartic acid 50 with glycine.
Molecular consequence: missense variant.
Genome position (GRCh38, 1-based): chr17:44,886,707, T>C on the plus strand (A>G on the coding strand, the complement: EFTUD2 is on the minus strand). VCF-style: chr17-44886707-T-C. GRCh37 (hg19) VCF-style: chr17-42964075-T-C.
Other names: c.44A>G, p.Asp15Gly (NM_001142605.2); c.149A>G, p.Asp50Gly (NM_001258353.2, NM_001258354.2); short protein forms D15G, D50G.
Identifiers: ClinVar variation 2841337 (VCV002841337.3), dbSNP rs906449968, ClinGen allele CA291001492.

ClinVar aggregate classification (germline): Uncertain significance (1 of 4 stars; one submission).

Submission:

Labcorp Genetics (formerly Invitae), Labcorp
Classification: Uncertain significance. Last evaluated: 2024-05-06. Review status: criteria provided, single submitter. Criteria: Invitae Variant Classification Sherloc (09022015). Collection method: clinical testing. Allele origin: germline.
Comment: This sequence change replaces aspartic acid, which is acidic and polar, with glycine, which is neutral and non-polar, at codon 50 of the EFTUD2 protein (p.Asp50Gly). This variant is not present in population databases (gnomAD no frequency). This variant has not been reported in the literature in individuals affected with EFTUD2-related conditions. An algorithm developed to predict the effect of missense changes on protein structure and function (PolyPhen-2) suggests that this variant is likely to be tolerated. In summary, the available evidence is currently insufficient to determine the role of this variant in disease. Therefore, it has been classified as a Variant of Uncertain Significance.